The following is an entry in ClinVar:

ClinVar aggregate classification (germline): Uncertain significance. Review status: criteria provided, multiple submitters, no conflicts (2 of 4 stars). 3 submissions from 3 submitters: Uncertain significance (3). Last evaluated 2026-07-01.

Conditions:
Brugada syndrome. Also called: Sudden unexpected nocturnal death syndrome; Sudden Unexplained Death Syndrome; Sudden Unexplained Nocturnal Death Syndrome (SUNDS); Sudden unexplained nocturnal death syndrome. Identifiers: Orphanet 130, MedGen C1142166, MONDO:0015263.
Cardiovascular phenotype. Identifiers: MedGen CN230736.

Allele frequency attached by ClinVar (database versions not stated): TOPMed 0.00006.
gnomAD v4.1: 97 of 1,613,808 alleles (0.006%); highest among the groups gnomAD compares: Non-Finnish European, 0.0078%; no homozygotes.

Submissions (3):

CeGaT Center for Human Genetics Tuebingen
Classification: Uncertain significance. Last evaluated: 2026-07-01. Review status: criteria provided, single submitter. Criteria: CeGaT Center For Human Genetics Tuebingen Variant Classification Criteria Version 2. Collection method: clinical testing. Allele origin: germline. Affected: yes. Observed: 2 variant alleles.

Labcorp Genetics (formerly Invitae), Labcorp
Classification: Uncertain significance for Brugada syndrome. Last evaluated: 2026-01-19. Review status: criteria provided, single submitter. Criteria: Invitae Variant Classification Sherloc (09022015). Collection method: clinical testing. Allele origin: germline.
Comment: This sequence change replaces aspartic acid, which is acidic and polar, with tyrosine, which is neutral and polar, at codon 826 of the SCN10A protein (p.Asp826Tyr). This variant is present in population databases (rs199535863, gnomAD 0.02%). This variant has not been reported in the literature in individuals affected with SCN10A-related conditions. ClinVar contains an entry for this variant (Variation ID: 532126). Invitae Evidence Modeling of protein sequence and biophysical properties (such as structural, functional, and spatial information, amino acid conservation, physicochemical variation, residue mobility, and thermodynamic stability) indicates that this missense variant is not expected to disrupt SCN10A protein function with a negative predictive value of 95%. In summary, the available evidence is currently insufficient to determine the role of this variant in disease. Therefore, it has been classified as a Variant of Uncertain Significance.

Ambry Genetics
Classification: Uncertain significance for Cardiovascular phenotype. Last evaluated: 2024-01-13. Review status: criteria provided, single submitter. Criteria: Ambry Variant Classification Scheme 2023. Collection method: clinical testing. Allele origin: germline.
Comment: The p.D826Y variant (also known as c.2476G>T), located in coding exon 15 of the SCN10A gene, results from a G to T substitution at nucleotide position 2476. The aspartic acid at codon 826 is replaced by tyrosine, an amino acid with highly dissimilar properties. This amino acid position is poorly conserved in available vertebrate species. In addition, the in silico prediction for this alteration is inconclusive. Since supporting evidence is limited at this time, the clinical significance of this alteration remains unclear.

NM_006514.4(SCN10A):c.2476G>T (p.Asp826Tyr)

Gene: SCN10A (sodium voltage-gated channel alpha subunit 10; minus strand). Cytogenetic location: 3p22.2.
Variant type: single nucleotide variant.
Coding change: c.2476G>T on transcript NM_006514.4 (MANE Select); coding-DNA position 2476, G replaced by T.
Protein change: p.Asp826Tyr; replaces aspartic acid 826 with tyrosine.
Molecular consequence: missense variant.
Genome position (GRCh38, 1-based): chr3:38,728,706, C>A on the plus strand (G>T on the coding strand, the complement: SCN10A is on the minus strand). VCF-style: chr3-38728706-C-A. GRCh37 (hg19) VCF-style: chr3-38770197-C-A.
Other names: c.2476G>T, p.Asp826Tyr (NM_001293306.2); c.2182G>T, p.Asp728Tyr (NM_001293307.2); short protein forms D826Y, D728Y.
Identifiers: ClinVar variation 532126 (VCV000532126.47), dbSNP rs199535863, ClinGen allele CA2320531.